The following is an entry in ClinVar:

ClinVar aggregate classification (germline): Pathogenic. Review status: criteria provided, multiple submitters, no conflicts (2 of 4 stars). 3 submissions from 3 submitters: Pathogenic (3). Last evaluated 2025-01-03.

Conditions:
Hereditary cancer-predisposing syndrome. Also called: Neoplastic Syndromes, Hereditary; Tumor predisposition; Hereditary Cancer Syndrome; Hereditary neoplastic syndrome. Identifiers: Orphanet 140162, MedGen C0027672, MeSH D009386, MONDO:0015356.
Familial adenomatous polyposis 1 (FAP1). Also called: FAMILIAL ADENOMATOUS POLYPOSIS 1, ATTENUATED; POLYPOSIS, ADENOMATOUS INTESTINAL. Identifiers: MedGen C2713442, MONDO:0021056, OMIM 175100. Disease mechanism: loss of function.

Submissions (3):

ARUP Laboratories, Molecular Genetics and Genomics, ARUP Laboratories
Classification: Pathogenic. Last evaluated: 2025-01-03. Review status: criteria provided, single submitter. Criteria: ARUP Molecular Germline Variant Investigation Process 2024. Collection method: clinical testing. Allele origin: germline.
Comment: The APC c.7512G>A; p.Trp2504Ter variant (rs1554088413), to our knowledge, is not reported in the medical literature but is reported in ClinVar (Variation ID: 482304). Another variant at this codon leading to the same nonsense change (c.7511G>A; p.Trp2504Ter) has been reported in individuals with familial adenomatous polyposis (FAP) (Eccles 2001, Kerr 2013). The c.7512G>A variant is absent from the Genome Aggregation Database (v2.1.1), indicating it is not a common polymorphism. Additionally, several downstream truncating variants have been described in individuals with FAP and are considered disease-causing (Kerr 2013). Based on available information, the c.7512G>A; p.Trp2504Ter variant is considered to be pathogenic. References: Eccles D et al. A novel 3' mutation in the APC gene in a family presenting with a desmoid tumour. J Med Genet. 2001 Dec;38(12):861-3. PMID: 11768389. Kerr SE et al. APC germline mutations in individuals being evaluated for familial adenomatous polyposis: a review of the Mayo Clinic experience with 1591 consecutive tests. J Mol Diagn. 2013 Jan;15(1):31-43. PMID: 23159591.

Labcorp Genetics (formerly Invitae), Labcorp
Classification: Pathogenic for Familial adenomatous polyposis 1. Last evaluated: 2024-08-08. Review status: criteria provided, single submitter. Criteria: Invitae Variant Classification Sherloc (09022015). Collection method: clinical testing. Allele origin: germline.
Comment: This sequence change creates a premature translational stop signal (p.Trp2504*) in the APC gene. While this is not anticipated to result in nonsense mediated decay, it is expected to disrupt the last 340 amino acid(s) of the APC protein. This variant is not present in population databases (gnomAD no frequency). This variant has not been reported in the literature in individuals affected with APC-related conditions. ClinVar contains an entry for this variant (Variation ID: 482304). This variant is expected to disrupt the EB1 and HDLG binding sites, which mediate interactions with the cytoskeleton (PMID: 15311282, 17293347). While functional studies have not been performed to directly test the effect on APC protein function, this suggests that disruption of the C-terminal portion of the protein is functionally important. A different truncation (p.Tyr2645Lysfs*14) that lies downstream of this variant has been determined to be pathogenic (PMID: 9824584, 1316610, 27081525, 8381579, 22135120, Invitae). This suggests that deletion of this region of the APC protein is causative of disease. For these reasons, this variant has been classified as Pathogenic.

Ambry Genetics
Classification: Pathogenic for Hereditary cancer-predisposing syndrome. Last evaluated: 2016-01-29. Review status: criteria provided, single submitter. Criteria: Ambry Variant Classification Scheme 2023. Collection method: clinical testing. Allele origin: germline.
Comment: The p.W2504* pathogenic mutation (also known as c.7512G>A), located in coding exon 15 of the APC gene, results from a G to A substitution at nucleotide position 7512. This changes the amino acid from a tryptophan to a stop codon within coding exon 15. A different alteration, c.7511G>A, which is located in the same codon and results in the same protein substitution, p.W2504*, was detected in a father and daughter who had colorectal cancer and a desmoid tumor, respectively (Eccles D, et al. J. Med. Genet. 2001; 38(12):861-3). In addition to the clinical data presented in the literature, this alteration is expected to result in loss of function by premature protein truncation. As such, this alteration is interpreted as a disease-causing mutation.

Literature cited by the submitters: PubMed 15311282 (cited by Labcorp Genetics (formerly Invitae), Labcorp); PubMed 17293347 (cited by Labcorp Genetics (formerly Invitae), Labcorp); PubMed 9824584 (cited by Labcorp Genetics (formerly Invitae), Labcorp); PubMed 1316610 (cited by Labcorp Genetics (formerly Invitae), Labcorp); PubMed 27081525 (cited by Labcorp Genetics (formerly Invitae), Labcorp); PubMed 8381579 (cited by Labcorp Genetics (formerly Invitae), Labcorp); PubMed 22135120 (cited by Labcorp Genetics (formerly Invitae), Labcorp); PubMed 11768389 (cited by Ambry Genetics).

NM_000038.6(APC):c.7512G>A (p.Trp2504Ter)

Gene: APC (APC regulator of Wnt signaling pathway; plus strand). Cytogenetic location: 5q22.2.
Variant type: single nucleotide variant.
Coding change: c.7512G>A on transcript NM_000038.6 (MANE Select); coding-DNA position 7512, G replaced by A.
Protein change: p.Trp2504Ter; replaces tryptophan 2504 with a stop codon.
Molecular consequence: nonsense.
Genome position (GRCh38, 1-based): chr5:112,843,106, G>A. VCF-style: chr5-112843106-G-A. GRCh37 (hg19) VCF-style: chr5-112178803-G-A.
Other names: c.7512G>A, p.Trp2504Ter (NM_001127510.3, NM_001354895.2); c.7458G>A, p.Trp2486Ter (NM_001127511.3); c.7542G>A, p.Trp2514Ter (NM_001354897.2); c.7437G>A, p.Trp2479Ter (NM_001354898.2); c.7389G>A, p.Trp2463Ter (NM_001354900.2); c.7566G>A, p.Trp2522Ter (NM_001354896.2); c.7428G>A, p.Trp2476Ter (NM_001354899.2); c.7335G>A, p.Trp2445Ter (NM_001354901.2); and 5 more; short protein forms W2486*, W2504*, W2344*, W2463*, W2476*, W2413*, W2514*, W2221*.
Identifiers: ClinVar variation 482304 (VCV000482304.9), dbSNP rs1554088413, ClinGen allele CA16037663.